The following is an entry in ClinVar:

ClinVar aggregate classification (germline): Uncertain significance. Review status: criteria provided, multiple submitters, no conflicts (2 of 4 stars). 2 submissions from 2 submitters: Uncertain significance (2). Last evaluated 2025-04-17.

Conditions:
Inborn genetic diseases. Identifiers: MedGen C0950123, MeSH D030342.

Allele frequency attached by ClinVar (database versions not stated): ExAC 0.00002; TOPMed 0.00010; gnomAD 0.00011.
gnomAD v4.1: 46 of 1,597,912 alleles (0.0029%); highest among the groups gnomAD compares: Admixed American, 0.074%; no homozygotes.

Submissions (2):

Ambry Genetics
Classification: Uncertain significance for Inborn genetic diseases. Last evaluated: 2025-04-17. Review status: criteria provided, single submitter. Criteria: Ambry Variant Classification Scheme 2023. Collection method: clinical testing. Allele origin: germline.

Labcorp Genetics (formerly Invitae), Labcorp
Classification: Uncertain significance. Last evaluated: 2022-08-21. Review status: criteria provided, single submitter. Criteria: Invitae Variant Classification Sherloc (09022015). Collection method: clinical testing. Allele origin: germline.
Comment: This sequence change replaces arginine, which is basic and polar, with glycine, which is neutral and non-polar, at codon 1750 of the APC2 protein (p.Arg1750Gly). This variant is present in population databases (rs750136169, gnomAD 0.07%). This variant has not been reported in the literature in individuals affected with APC2-related conditions. Algorithms developed to predict the effect of missense changes on protein structure and function are either unavailable or do not agree on the potential impact of this missense change (SIFT: "Deleterious"; PolyPhen-2: "Benign"; Align-GVGD: "Class C0"). In summary, the available evidence is currently insufficient to determine the role of this variant in disease. Therefore, it has been classified as a Variant of Uncertain Significance.

NM_005883.3(APC2):c.5248C>G (p.Arg1750Gly)

Gene: APC2 (APC regulator of Wnt signaling pathway 2; plus strand). Cytogenetic location: 19p13.3.
Variant type: single nucleotide variant.
Coding change: c.5248C>G on transcript NM_005883.3 (MANE Select); coding-DNA position 5248, C replaced by G.
Protein change: p.Arg1750Gly; replaces arginine 1750 with glycine.
Molecular consequence: missense variant.
Genome position (GRCh38, 1-based): chr19:1,468,549, C>G. VCF-style: chr19-1468549-C-G. GRCh37 (hg19) VCF-style: chr19-1468548-C-G.
Other names: c.5245C>G, p.Arg1749Gly (NM_001351273.1); c.5248C>G (NM_005883.2); short protein forms R1749G, R1750G.
Identifiers: ClinVar variation 2063882 (VCV002063882.4), dbSNP rs750136169, ClinGen allele CA9045998.